The following is an entry in ClinVar:

NM_003072.5(SMARCA4):c.2401C>T (p.Arg801Cys)

Gene: SMARCA4 (SWI/SNF related BAF chromatin remodeling complex subunit ATPase 4; plus strand). Cytogenetic location: 19p13.2.
Variant type: single nucleotide variant.
Coding change: c.2401C>T on transcript NM_003072.5 (MANE Select); coding-DNA position 2401, C replaced by T.
Protein change: p.Arg801Cys; replaces arginine 801 with cysteine.
Molecular consequence: missense variant. On other transcripts: non-coding transcript variant (1).
Genome position (GRCh38, 1-based): chr19:11,013,075, C>T. VCF-style: chr19-11013075-C-T. GRCh37 (hg19) VCF-style: chr19-11123751-C-T.
Other names: c.2401C>T, p.Arg801Cys (NM_001128844.3, NM_001128845.2, NM_001128849.3 and 4 more transcripts); short protein forms R801C.
Identifiers: ClinVar variation 1021288 (VCV001021288.11), dbSNP rs2089008771, ClinGen allele CA404053286.

ClinVar aggregate classification (germline): Uncertain significance. Review status: criteria provided, multiple submitters, no conflicts (2 of 4 stars). 2 submissions from 2 submitters: Uncertain significance (2). Last evaluated 2025-06-30.

Conditions:
Rhabdoid tumor predisposition syndrome 2 (RTPS2). Identifiers: Orphanet 231108, Orphanet 69077, MedGen C2750074, MONDO:0013224, OMIM 613325.
Hereditary cancer-predisposing syndrome. Also called: Hereditary Cancer Syndrome; Neoplastic Syndromes, Hereditary; Tumor predisposition; Hereditary neoplastic syndrome. Identifiers: Orphanet 140162, MedGen C0027672, MeSH D009386, MONDO:0015356.

Submissions (2):

Labcorp Genetics (formerly Invitae), Labcorp
Classification: Uncertain significance for Rhabdoid tumor predisposition syndrome 2. Last evaluated: 2025-06-30. Review status: criteria provided, single submitter. Criteria: Invitae Variant Classification Sherloc (09022015). Collection method: clinical testing. Allele origin: germline.
Comment: This sequence change replaces arginine, which is basic and polar, with cysteine, which is neutral and slightly polar, at codon 801 of the SMARCA4 protein (p.Arg801Cys). This variant is not present in population databases (gnomAD no frequency). This variant has not been reported in the literature in individuals affected with SMARCA4-related conditions. ClinVar contains an entry for this variant (Variation ID: 1021288). Invitae Evidence Modeling of protein sequence and biophysical properties (such as structural, functional, and spatial information, amino acid conservation, physicochemical variation, residue mobility, and thermodynamic stability) has been performed for this missense variant. However, the output from this modeling did not meet the statistical confidence thresholds required to predict the impact of this variant on SMARCA4 protein function. In summary, the available evidence is currently insufficient to determine the role of this variant in disease. Therefore, it has been classified as a Variant of Uncertain Significance.

Ambry Genetics
Classification: Uncertain significance for Hereditary cancer-predisposing syndrome. Last evaluated: 2023-04-26. Review status: criteria provided, single submitter. Criteria: Ambry Variant Classification Scheme 2023. Collection method: clinical testing. Allele origin: germline.
Comment: The p.R801C variant (also known as c.2401C>T), located in coding exon 15 of the SMARCA4 gene, results from a C to T substitution at nucleotide position 2401. The arginine at codon 801 is replaced by cysteine, an amino acid with highly dissimilar properties. This amino acid position is highly conserved in available vertebrate species. In addition, this alteration is predicted to be deleterious by in silico analysis. Missense and in-frame variants in SMARCA4 are known to cause neurodevelopmental disorders; however, such associations with rhabdoid tumor predisposition syndrome including small cell carcinoma of the ovary-hypercalcemic type (SCCOHT) are exceedingly rare (Kosho T et al. Am J Med Genet C Semin Med Genet. 2014 Sep;166C(3):262-75; Jelinic P et al. Nat Genet. 2014 May;46(5):424-6). Since supporting evidence is limited at this time, the clinical significance of this alteration remains unclear.